The following is an entry in ClinVar:

ClinVar aggregate classification (germline): Uncertain significance (1 of 4 stars; one submission).

Conditions:
Hypertrophic cardiomyopathy 1 (CMH1). Also called: Familial hypertrophic cardiomyopathy 1; MYH7-Related Familial Hypertrophic Cardiomyopathy. Identifiers: MedGen C3495498, MONDO:0008647, OMIM 192600.

Submission:

Labcorp Genetics (formerly Invitae), Labcorp
Classification: Uncertain significance for Hypertrophic cardiomyopathy 1. Last evaluated: 2024-10-20. Review status: criteria provided, single submitter. Criteria: Invitae Variant Classification Sherloc (09022015). Collection method: clinical testing. Allele origin: germline.
Comment: This sequence change replaces leucine, which is neutral and non-polar, with valine, which is neutral and non-polar, at codon 342 of the MYLK2 protein (p.Leu342Val). This variant is present in population databases (rs763314107, gnomAD 0.003%). This variant has not been reported in the literature in individuals affected with MYLK2-related conditions. Invitae Evidence Modeling of protein sequence and biophysical properties (such as structural, functional, and spatial information, amino acid conservation, physicochemical variation, residue mobility, and thermodynamic stability) indicates that this missense variant is expected to disrupt MYLK2 protein function with a positive predictive value of 80%. In summary, the available evidence is currently insufficient to determine the role of this variant in disease. Therefore, it has been classified as a Variant of Uncertain Significance.

NM_033118.4(MYLK2):c.1024C>G (p.Leu342Val)

Gene: MYLK2 (myosin light chain kinase 2; plus strand). Cytogenetic location: 20q11.21.
Variant type: single nucleotide variant.
Coding change: c.1024C>G on transcript NM_033118.4 (MANE Select); coding-DNA position 1024, C replaced by G.
Protein change: p.Leu342Val; replaces leucine 342 with valine.
Molecular consequence: missense variant.
Genome position (GRCh38, 1-based): chr20:31,826,656, C>G. VCF-style: chr20-31826656-C-G. GRCh37 (hg19) VCF-style: chr20-30414459-C-G.
Other names: short protein forms L342V.
Identifiers: ClinVar variation 3717020 (VCV003717020.2).